The following is an entry in ClinVar:

NM_175914.5(HNF4A):c.*993G>A

Gene: HNF4A (hepatocyte nuclear factor 4 alpha; plus strand). Cytogenetic location: 20q13.12.
Variant type: single nucleotide variant.
Coding change: c.*993G>A on transcript NM_175914.5 (MANE Select); 993 bases downstream of the stop codon, G replaced by A.
Molecular consequence: 3 prime UTR variant.
Genome position (GRCh38, 1-based): chr20:44,430,658, G>A. VCF-style: chr20-44430658-G-A. GRCh37 (hg19) VCF-style: chr20-43059298-G-A.
Other names: c.*993G>A (NM_000457.6, NM_001030003.3, NM_001258355.2 and 3 more transcripts).
Identifiers: ClinVar variation 895404 (VCV000895404.5), dbSNP rs2063867733, ClinGen allele CA1139666700.

ClinVar aggregate classification (germline): Uncertain significance. Review status: criteria provided, multiple submitters, no conflicts (2 of 4 stars). 3 submissions from 2 submitters: Uncertain significance (3). Last evaluated 2018-01-22.

Conditions:
Maturity-onset diabetes of the young (MODY). Also called: Maturity onset diabetes mellitus in young. Identifiers: Orphanet 552, MedGen C0342276, MONDO:0018911, HP:0004904.
Maturity-onset diabetes of the young type 1. Also called: MODY type 1; Diabetes mellitus MODY type 1; MODY HNF4A related; MILD JUVENILE DIABETES MELLITUS; HNF4A-Related Maturity-Onset Diabetes of the Young Type 1; MODY, type I. Identifiers: Orphanet 552, MedGen C1852093, MONDO:0007452, OMIM 125850. Disease mechanism: loss of function.
Familial hyperinsulinism. Also called: Congenital hyperinsulinism. Identifiers: Orphanet 276525, MedGen C3888018, MONDO:0017182. Disease mechanism: loss of function.

Submissions (3):

Illumina Laboratory Services, Illumina
Classification: Uncertain significance for Familial hyperinsulinism. Last evaluated: 2018-01-22. Review status: criteria provided, single submitter. Criteria: ICSL Variant Classification Criteria 13 December 2019. Collection method: clinical testing. Allele origin: germline.

Illumina Laboratory Services, Illumina
Classification: Uncertain significance for Maturity-onset diabetes of the young type 1. Last evaluated: 2018-01-22. Review status: criteria provided, single submitter. Criteria: ICSL Variant Classification Criteria 13 December 2019. Collection method: clinical testing. Allele origin: germline.

Clinical Genomics, Uppaluri K&H Personalized Medicine Clinic
Classification: Uncertain significance for Maturity-onset diabetes of the young. Review status: criteria provided, single submitter. Criteria: K & H Uppaluri Personalized Medicine Clinic Variant Classification & Assertion Criteria_Updated V.1. Collection method: research. Allele origin: unknown. Inheritance: Autosomal dominant inheritance.
Comment: Potent mutations in HNF4A are associated with poor insulin secretion in response to hyperglycemia. Associated with MODY1. Patients initially respond well to sulfonylureas but eventually become insulin dependent. However, more evidence is required to ascertain the role of this particular variant rs2063867733 in MODY, yet.

Literature cited by the submitters: DOI 10.1159/000334532 (cited by Clinical Genomics, Uppaluri K&H Personalized Medicine Clinic); PubMed 18268044 (cited by Clinical Genomics, Uppaluri K&H Personalized Medicine Clinic); PubMed 17563455 (cited by Clinical Genomics, Uppaluri K&H Personalized Medicine Clinic); PubMed 32583173 (cited by Clinical Genomics, Uppaluri K&H Personalized Medicine Clinic); PubMed 35052457 (cited by Clinical Genomics, Uppaluri K&H Personalized Medicine Clinic); PubMed 35118593 (cited by Clinical Genomics, Uppaluri K&H Personalized Medicine Clinic).